The following is an entry in ClinVar:

NM_014484.5(MOCS3):c.706G>A (p.Val236Met)

Gene: MOCS3 (molybdenum cofactor synthesis 3; plus strand). Cytogenetic location: 20q13.13.
Variant type: single nucleotide variant.
Coding change: c.706G>A on transcript NM_014484.5 (MANE Select); coding-DNA position 706, G replaced by A.
Protein change: p.Val236Met; replaces valine 236 with methionine.
Molecular consequence: missense variant.
Genome position (GRCh38, 1-based): chr20:50,959,548, G>A. VCF-style: chr20-50959548-G-A. GRCh37 (hg19) VCF-style: chr20-49576085-G-A.
Other names: short protein forms V236M.
Identifiers: ClinVar variation 2049721 (VCV002049721.4), dbSNP rs761309940, ClinGen allele CA9909458.
Genomic context (GRCh38, chr20:50,959,548, plus strand): 5'-CATTATGACGGTGGCCCTTGCTATCGCTGCATATTCCCCCAACCACCCCCAGCGGAGACA[G>A]TGACCAACTGCGCGGACGGCGGGGTGCTCGGTGTCGTTACCGGGGTCCTGGGCTGCCTGC-3'
Protein context (NP_055299.1, residues 226-246): IFPQPPPAET[Val236Met]TNCADGGVLG

ClinVar aggregate classification (germline): Uncertain significance (1 of 4 stars; one submission).

Allele frequency attached by ClinVar (database versions not stated): gnomAD 0.00001; gnomAD exomes 0.00002; TOPMed 0.00002; ExAC 0.00003.

Submission:

Labcorp Genetics (formerly Invitae), Labcorp
Classification: Uncertain significance. Last evaluated: 2022-11-08. Review status: criteria provided, single submitter. Criteria: Invitae Variant Classification Sherloc (09022015). Collection method: clinical testing. Allele origin: germline.
Comment: In summary, the available evidence is currently insufficient to determine the role of this variant in disease. Therefore, it has been classified as a Variant of Uncertain Significance. Algorithms developed to predict the effect of missense changes on protein structure and function are either unavailable or do not agree on the potential impact of this missense change (SIFT: "Deleterious"; PolyPhen-2: "Probably Damaging"; Align-GVGD: "Class C15"). This variant has not been reported in the literature in individuals affected with MOCS3-related conditions. This variant is present in population databases (rs761309940, gnomAD 0.004%). This sequence change replaces valine, which is neutral and non-polar, with methionine, which is neutral and non-polar, at codon 236 of the MOCS3 protein (p.Val236Met).